The following is an entry in ClinVar:

ClinVar aggregate classification (germline): Uncertain significance (1 of 4 stars; one submission).

Conditions:
Episodic pain syndrome, familial, 2 (FEPS2). Identifiers: Orphanet 306577, MedGen C3809893, MONDO:0014246, OMIM 615551.

Submission:

Clinical Genomics Laboratory, Stanford Medicine
Classification: Uncertain significance for Episodic pain syndrome, familial, 2. Last evaluated: 2021-06-11. Review status: criteria provided, single submitter. Criteria: ACMG Guidelines, 2015. Collection method: clinical testing. Allele origin: germline. Affected: yes. Observed: 1 heterozygote.
Comment: The p.Ala499Asp variant in the SCN10A gene has not been previously reported in association with disease. This variant was absent from large population databases, including the Genome Aggregation Database. Computational tools do not predict that the p.Ala499Asp variant impacts protein function; however, the accuracy of in silico algorithms is limited. These data were assessed using the ACMG/AMP variant interpretation guidelines. In summary, the significance of the p.Ala499Asp variant is uncertain. Additional information is needed to resolve the significance of this variant. [ACMG evidence codes used: PM2]

NM_006514.4(SCN10A):c.1496C>A (p.Ala499Asp)

Gene: SCN10A (sodium voltage-gated channel alpha subunit 10; minus strand). Cytogenetic location: 3p22.2.
Variant type: single nucleotide variant.
Coding change: c.1496C>A on transcript NM_006514.4 (MANE Select); coding-DNA position 1496, C replaced by A.
Protein change: p.Ala499Asp; replaces alanine 499 with aspartic acid.
Molecular consequence: missense variant. On other transcripts: intron variant (1).
Genome position (GRCh38, 1-based): chr3:38,752,478, G>T on the plus strand (C>A on the coding strand, the complement: SCN10A is on the minus strand). VCF-style: chr3-38752478-G-T. GRCh37 (hg19) VCF-style: chr3-38793969-G-T.
Other names: p.Ala499Asp; c.1496C>A, p.Ala499Asp (NM_001293306.2); c.1462-2294C>A (NM_001293307.2); short protein forms A499D.
Identifiers: ClinVar variation 3068525 (VCV003068525.1), dbSNP rs762173213, ClinGen allele CA352167687.